The following is an entry in ClinVar:

ClinVar aggregate classification (germline): Benign/Likely benign. Review status: criteria provided, multiple submitters, no conflicts (2 of 4 stars). 4 submissions from 4 submitters: Benign (3); Likely benign (1). Last evaluated 2026-01-24.

Conditions:
Combined immunodeficiency due to LRBA deficiency. Also called: Common variable immunodeficiency 8, with autoimmunity. Identifiers: Orphanet 445018, MedGen C3553512, MONDO:0013863, OMIM 614700.

Allele frequency attached by ClinVar (database versions not stated): 1000 Genomes Project 30x 0.00047; TOPMed 0.00053; ESP Exome Variant Server 0.00054; 1000 Genomes Project 0.00060; gnomAD exomes 0.00088 and 0.00169; gnomAD 0.00110 and 0.00118; ExAC 0.00175.
gnomAD v4.1: 1,458 of 1,611,564 alleles (0.09%); highest among the groups gnomAD compares: East Asian, 0.85%; 13 homozygotes.

Submissions (4):

Labcorp Genetics (formerly Invitae), Labcorp
Classification: Benign for Combined immunodeficiency due to LRBA deficiency. Last evaluated: 2026-01-24. Review status: criteria provided, single submitter. Criteria: Invitae Variant Classification Sherloc (09022015). Collection method: clinical testing. Allele origin: germline.

Blueprint Genetics
Classification: Likely benign. Last evaluated: 2024-11-19. Review status: criteria provided, single submitter. Criteria: ACMG Guidelines, 2015. Collection method: clinical testing. Allele origin: germline.

CeGaT Center for Human Genetics Tuebingen
Classification: Benign. Last evaluated: 2024-07-01. Review status: criteria provided, single submitter. Criteria: CeGaT Center For Human Genetics Tuebingen Variant Classification Criteria Version 2. Collection method: clinical testing. Allele origin: germline. Affected: yes. Observed: 2 variant alleles.
Comment: LRBA: BS1, BS2

Breakthrough Genomics
Classification: Benign. Review status: criteria provided, single submitter. Criteria: ACMG Guidelines, 2015. Collection method: not provided. Allele origin: germline. Inheritance: Autosomal recessive inheritance. Affected: yes.

NM_001364905.1(LRBA):c.52G>A (p.Gly18Arg)

Gene: LRBA (LPS responsive beige-like anchor protein; minus strand). Cytogenetic location: 4q31.3.
Variant type: single nucleotide variant.
Coding change: c.52G>A on transcript NM_001364905.1 (MANE Select); coding-DNA position 52, G replaced by A.
Protein change: p.Gly18Arg; replaces glycine 18 with arginine.
Molecular consequence: missense variant.
Genome position (GRCh38, 1-based): chr4:151,014,591, C>T on the plus strand (G>A on the coding strand, the complement: LRBA is on the minus strand). VCF-style: chr4-151014591-C-T. GRCh37 (hg19) VCF-style: chr4-151935743-C-T.
Other names: c.52G>A, p.Gly18Arg (NM_006726.5, NM_001199282.3, NM_001367550.1); short protein forms G18R.
Identifiers: ClinVar variation 719011 (VCV000719011.35), dbSNP rs150755521, ClinGen allele CA3103978.